The following is an entry in ClinVar:

NM_000038.6(APC):c.8436C>A (p.Asn2812Lys)

Gene: APC (APC regulator of Wnt signaling pathway; plus strand). Cytogenetic location: 5q22.2.
Variant type: single nucleotide variant.
Coding change: c.8436C>A on transcript NM_000038.6 (MANE Select); coding-DNA position 8436, C replaced by A.
Protein change: p.Asn2812Lys; replaces asparagine 2812 with lysine.
Molecular consequence: missense variant.
Genome position (GRCh38, 1-based): chr5:112,844,030, C>A. VCF-style: chr5-112844030-C-A. GRCh37 (hg19) VCF-style: chr5-112179727-C-A.
Other names: c.8436C>A, p.Asn2812Lys (NM_001127510.3, NM_001354895.2, NM_001407450.1); c.8382C>A, p.Asn2794Lys (NM_001127511.3); c.8490C>A, p.Asn2830Lys (NM_001354896.2, NM_001407447.1, NM_001407448.1 and 1 more transcripts); c.8466C>A, p.Asn2822Lys (NM_001354897.2); c.8361C>A, p.Asn2787Lys (NM_001354898.2); c.8352C>A, p.Asn2784Lys (NM_001354899.2); c.8313C>A, p.Asn2771Lys (NM_001354900.2); c.8259C>A, p.Asn2753Lys (NM_001354901.2, NM_001407453.1); and 11 more; short protein forms N2652K, N2721K, N2753K, N2771K, N2784K, N2822K, N2840K, N2794K.
Identifiers: ClinVar variation 2123996 (VCV002123996.4), dbSNP rs750971628, ClinGen allele CA16039633.

ClinVar aggregate classification (germline): Uncertain significance (1 of 4 stars; one submission).

Conditions:
Familial adenomatous polyposis 1 (FAP1). Also called: POLYPOSIS, ADENOMATOUS INTESTINAL; FAMILIAL ADENOMATOUS POLYPOSIS 1, ATTENUATED. Identifiers: MedGen C2713442, MONDO:0021056, OMIM 175100. Disease mechanism: loss of function.

Submission:

Labcorp Genetics (formerly Invitae), Labcorp
Classification: Uncertain significance for Familial adenomatous polyposis 1. Last evaluated: 2022-04-10. Review status: criteria provided, single submitter. Criteria: Invitae Variant Classification Sherloc (09022015). Collection method: clinical testing. Allele origin: germline.
Comment: In summary, the available evidence is currently insufficient to determine the role of this variant in disease. Therefore, it has been classified as a Variant of Uncertain Significance. Algorithms developed to predict the effect of missense changes on protein structure and function are either unavailable or do not agree on the potential impact of this missense change (SIFT: "Deleterious"; PolyPhen-2: "Benign"; Align-GVGD: "Class C0"). This variant has not been reported in the literature in individuals affected with APC-related conditions. This variant is not present in population databases (gnomAD no frequency). This sequence change replaces asparagine, which is neutral and polar, with lysine, which is basic and polar, at codon 2812 of the APC protein (p.Asn2812Lys).